The following is an entry in ClinVar:

ClinVar aggregate classification (germline): Pathogenic/Likely pathogenic. Review status: criteria provided, multiple submitters, no conflicts (2 of 4 stars). 3 submissions from 3 submitters: Pathogenic (1); Likely pathogenic (1). 1 of the submissions does not count toward it. Last evaluated 2025-05-22.

Conditions:
Propionic acidemia (PROP). Also called: GLYCINEMIA, KETOTIC; HYPERGLYCINEMIA WITH KETOACIDOSIS AND LEUKOPENIA; KETOTIC HYPERGLYCINEMIA. Identifiers: Orphanet 35, MedGen C0268579, MONDO:0011628, OMIM 606054, HP:0003571.

Allele frequency attached by ClinVar (database versions not stated): gnomAD exomes below 0.00001; ExAC 0.00001.

Submissions (3):

Natera, Inc.
Classification: Likely pathogenic for Propionic acidemia. Last evaluated: 2025-05-22. Review status: criteria provided, single submitter. Criteria: Natera Variant Classification Schema (03/2026). Collection method: clinical testing. Allele origin: germline.
Comment: The c.553dup variant in PCCB is a frameshift variant predicted to shift the reading frame beginning at codon 185 and leads to a stop codon 45 codons downstream. This variant is expected to result in nonsense mediated decay, truncation, or a dysfunctional protein product. This variant is rare in the general population with a frequency below the threshold expected for the associated phenotype(s). Given the available evidence, this variant is classified as Likely Pathogenic.

Labcorp Genetics (formerly Invitae), Labcorp
Classification: Pathogenic for Propionic acidemia. Last evaluated: 2024-01-07. Review status: criteria provided, single submitter. Criteria: Invitae Variant Classification Sherloc (09022015). Collection method: clinical testing. Allele origin: germline.
Comment: This sequence change creates a premature translational stop signal (p.Thr185Asnfs*45) in the PCCB gene. It is expected to result in an absent or disrupted protein product. Loss-of-function variants in PCCB are known to be pathogenic (PMID: 15464417). This variant is present in population databases (rs777455573, gnomAD 0.0009%). This variant has not been reported in the literature in individuals affected with PCCB-related conditions. ClinVar contains an entry for this variant (Variation ID: 557071). For these reasons, this variant has been classified as Pathogenic.

Counsyl
Classification: Likely pathogenic for Propionic acidemia. Last evaluated: 2018-03-07. Review status: no assertion criteria provided. Collection method: clinical testing. Allele origin: unknown. Not counted in ClinVar's aggregate classification.

Literature cited by the submitters: PubMed 15464417 (cited by Labcorp Genetics (formerly Invitae), Labcorp).

NM_000532.5(PCCB):c.553dup (p.Thr185fs)

Gene: PCCB (propionyl-CoA carboxylase subunit beta; plus strand). Cytogenetic location: 3q22.3.
Variant type: Duplication.
Coding change: c.553dup on transcript NM_000532.5 (MANE Select); coding-DNA position 553, one base duplicated (A; older notation c.553dupA).
Protein change: p.Thr185fs; shifts the reading frame from threonine 185.
Molecular consequence: frameshift variant.
Genome position (GRCh38, 1-based): chr3:136,283,846, A duplicated. VCF-style (leftmost placement, unchanged base first): chr3-136283845-T-TA. GRCh37 (hg19) VCF-style: chr3-136002687-T-TA.
Other names: c.613dup, p.Thr205fs (NM_001178014.2); c.553dupA (NM_000532.4); c.553dup (NM_000532.4); short protein forms T185fs, T205fs.
Identifiers: ClinVar variation 557071 (VCV000557071.7), dbSNP rs777455573, ClinGen allele CA2631780.